The following is an entry in ClinVar:

NM_000264.5(PTCH1):c.892A>C (p.Asn298His)

Gene: PTCH1 (patched 1; minus strand). Cytogenetic location: 9q22.32.
Variant type: single nucleotide variant.
Coding change: c.892A>C on transcript NM_000264.5 (MANE Select); coding-DNA position 892, A replaced by C.
Protein change: p.Asn298His; replaces asparagine 298 with histidine.
Molecular consequence: missense variant. On other transcripts: non-coding transcript variant (1).
Genome position (GRCh38, 1-based): chr9:95,480,443, T>G on the plus strand (A>C on the coding strand, the complement: PTCH1 is on the minus strand). VCF-style: chr9-95480443-T-G. GRCh37 (hg19) VCF-style: chr9-98242725-T-G.
Other names: c.694A>C, p.Asn232His (NM_001083602.3); c.889A>C, p.Asn297His (NM_001083603.3); c.439A>C, p.Asn147His (NM_001083604.3, NM_001083605.3, NM_001083606.3 and 1 more transcripts); c.892A>C, p.Asn298His (NM_001354918.2); short protein forms N147H, N297H, N232H, N298H.
Identifiers: ClinVar variation 822825 (VCV000822825.10), dbSNP rs1588609918, ClinGen allele CA374113833.
Genomic context (GRCh38, chr9:95,480,443, plus strand): 5'-TACTCACTTTGGTTGAATTTTTGTTGGGGGCTGTGGCGGGGCAGTCTGGATCGGCCGGAT[T>G]GAGGCAGGGGCGGTCCATGTAACCATGACCAACCTCAGCCTTATTCAGCATTTCCTCCCA-3'
Protein context (NP_000255.2, residues 288-308): GHGYMDRPCL[Asn298His]PADPDCPATA

ClinVar aggregate classification (germline): Uncertain significance. Review status: criteria provided, multiple submitters, no conflicts (2 of 4 stars). 2 submissions from 2 submitters: Uncertain significance (2). Last evaluated 2025-01-24.

Conditions:
Hereditary cancer-predisposing syndrome. Also called: Hereditary Cancer Syndrome; Neoplastic Syndromes, Hereditary; Hereditary neoplastic syndrome; Tumor predisposition. Identifiers: Orphanet 140162, MedGen C0027672, MeSH D009386, MONDO:0015356.
Gorlin syndrome. Also called: Nevoid Basal Cell Carcinoma Syndrome; Basal cell nevus syndrome. Identifiers: Orphanet 377, MedGen C0004779, MONDO:0007187.

Submissions (2):

Labcorp Genetics (formerly Invitae), Labcorp
Classification: Uncertain significance for Gorlin syndrome. Last evaluated: 2025-01-24. Review status: criteria provided, single submitter. Criteria: Invitae Variant Classification Sherloc (09022015). Collection method: clinical testing. Allele origin: germline.
Comment: This sequence change replaces asparagine, which is neutral and polar, with histidine, which is basic and polar, at codon 298 of the PTCH1 protein (p.Asn298His). This variant is not present in population databases (gnomAD no frequency). This variant has not been reported in the literature in individuals affected with PTCH1-related conditions. ClinVar contains an entry for this variant (Variation ID: 822825). Invitae Evidence Modeling of protein sequence and biophysical properties (such as structural, functional, and spatial information, amino acid conservation, physicochemical variation, residue mobility, and thermodynamic stability) indicates that this missense variant is not expected to disrupt PTCH1 protein function with a negative predictive value of 95%. In summary, the available evidence is currently insufficient to determine the role of this variant in disease. Therefore, it has been classified as a Variant of Uncertain Significance.

Ambry Genetics
Classification: Uncertain significance for Hereditary cancer-predisposing syndrome. Last evaluated: 2023-08-09. Review status: criteria provided, single submitter. Criteria: Ambry Variant Classification Scheme 2023. Collection method: clinical testing. Allele origin: germline.
Comment: The p.N298H variant (also known as c.892A>C), located in coding exon 6 of the PTCH1 gene, results from an A to C substitution at nucleotide position 892. The asparagine at codon 298 is replaced by histidine, an amino acid with similar properties. This amino acid position is well conserved in available vertebrate species. In addition, the in silico prediction for this alteration is inconclusive. Since supporting evidence is limited at this time, the clinical significance of this alteration remains unclear.